The following is an entry in ClinVar:

ClinVar aggregate classification (germline): Uncertain significance (1 of 4 stars; one submission).

Conditions:
Pontocerebellar hypoplasia type 1B. Also called: EXOSC3 Pontocerebellar Hypoplasia. Identifiers: Orphanet 2254, MedGen C3553449, MONDO:0013853, OMIM 614678.

Allele frequency attached by ClinVar (database versions not stated): gnomAD exomes 0.00001.
gnomAD v4.1: 9 of 1,614,070 alleles (0.00056%); highest among the groups gnomAD compares: Non-Finnish European, 0.00068%; no homozygotes.

Submission:

Labcorp Genetics (formerly Invitae), Labcorp
Classification: Uncertain significance for Pontocerebellar hypoplasia type 1B. Last evaluated: 2019-12-17. Review status: criteria provided, single submitter. Criteria: Invitae Variant Classification Sherloc (09022015). Collection method: clinical testing. Allele origin: germline.
Comment: In summary, the available evidence is currently insufficient to determine the role of this variant in disease. Therefore, it has been classified as a Variant of Uncertain Significance. Algorithms developed to predict the effect of missense changes on protein structure and function are either unavailable or do not agree on the potential impact of this missense change (SIFT: "Deleterious"; PolyPhen-2: "Possibly Damaging"; Align-GVGD: "Class C0"). This variant has not been reported in the literature in individuals with EXOSC3-related conditions. This variant is not present in population databases (ExAC no frequency). This sequence change replaces glycine with arginine at codon 135 of the EXOSC3 protein (p.Gly135Arg). The glycine residue is moderately conserved and there is a moderate physicochemical difference between glycine and arginine.

NM_016042.4(EXOSC3):c.403G>A (p.Gly135Arg)

Gene: EXOSC3 (exosome component 3; minus strand). Cytogenetic location: 9p13.2.
Variant type: single nucleotide variant.
Coding change: c.403G>A on transcript NM_016042.4 (MANE Select); coding-DNA position 403, G replaced by A.
Protein change: p.Gly135Arg; replaces glycine 135 with arginine.
Molecular consequence: missense variant.
Genome position (GRCh38, 1-based): chr9:37,783,985, C>T on the plus strand (G>A on the coding strand, the complement: EXOSC3 is on the minus strand). VCF-style: chr9-37783985-C-T. GRCh37 (hg19) VCF-style: chr9-37783982-C-T.
Other names: c.403G>A, p.Gly135Arg (NM_001002269.2); short protein forms G135R.
Identifiers: ClinVar variation 858223 (VCV000858223.8), dbSNP rs1828647523, ClinGen allele CA373475428.